The following is an entry in ClinVar:

ClinVar aggregate classification (germline): Uncertain significance. Review status: criteria provided, multiple submitters, no conflicts (2 of 4 stars). 3 submissions from 3 submitters: Uncertain significance (3). Last evaluated 2026-03-18.

Conditions:
Inborn genetic diseases. Identifiers: MedGen C0950123, MeSH D030342.
Myasthenic syndrome, congenital, 22 (CMS22). Also called: PREPL DEFICIENCY. Identifiers: MedGen C4479088, MONDO:0044299, OMIM 616224.

Allele frequency attached by ClinVar (database versions not stated): gnomAD exomes below 0.00001; ExAC 0.00001; gnomAD 0.00004 and 0.00006; TOPMed 0.00017; 1000 Genomes Project 30x 0.00031; 1000 Genomes Project 0.00040.

Submissions (3):

GeneDx
Classification: Uncertain significance. Last evaluated: 2026-03-18. Review status: criteria provided, single submitter. Criteria: GeneDx Variant Classification Process June 2021. Collection method: clinical testing. Allele origin: germline.
Comment: Not observed at significant frequency in large population cohorts (gnomAD); In silico analysis supports that this missense variant has a deleterious effect on protein structure/function; Has not been previously published as pathogenic or benign to our knowledge

Ambry Genetics
Classification: Uncertain significance for Inborn genetic diseases. Last evaluated: 2025-08-14. Review status: criteria provided, single submitter. Criteria: Ambry Variant Classification Scheme 2023. Collection method: clinical testing. Allele origin: germline.

Labcorp Genetics (formerly Invitae), Labcorp
Classification: Uncertain significance for Myasthenic syndrome, congenital, 22. Last evaluated: 2022-02-24. Review status: criteria provided, single submitter. Criteria: Invitae Variant Classification Sherloc (09022015). Collection method: clinical testing. Allele origin: germline.
Comment: This sequence change replaces cysteine, which is neutral and slightly polar, with glycine, which is neutral and non-polar, at codon 184 of the PREPL protein (p.Cys184Gly). This variant is present in population databases (rs569491440, gnomAD 0.007%). This variant has not been reported in the literature in individuals affected with PREPL-related conditions. ClinVar contains an entry for this variant (Variation ID: 933952). Algorithms developed to predict the effect of missense changes on protein structure and function are either unavailable or do not agree on the potential impact of this missense change (SIFT: "Deleterious"; PolyPhen-2: "Benign"; Align-GVGD: "Class C0"). In summary, the available evidence is currently insufficient to determine the role of this variant in disease. Therefore, it has been classified as a Variant of Uncertain Significance.

NM_001171613.2(PREPL):c.283T>G (p.Cys95Gly)

Gene: PREPL (prolyl endopeptidase like; minus strand). Cytogenetic location: 2p21.
Variant type: single nucleotide variant.
Coding change: c.283T>G on transcript NM_001171613.2 (MANE Select); coding-DNA position 283, T replaced by G.
Protein change: p.Cys95Gly; replaces cysteine 95 with glycine.
Molecular consequence: missense variant.
Genome position (GRCh38, 1-based): chr2:44,343,811, A>C on the plus strand (T>G on the coding strand, the complement: PREPL is on the minus strand). VCF-style: chr2-44343811-A-C. GRCh37 (hg19) VCF-style: chr2-44570950-A-C.
Other names: c.550T>G, p.Cys184Gly (NM_001042385.2, NM_001042386.2, NM_001171603.1 and 4 more transcripts); c.283T>G, p.Cys95Gly (NM_001171617.1, NM_001374277.1); short protein forms C95G, C184G.
Identifiers: ClinVar variation 933952 (VCV000933952.9), dbSNP rs569491440, ClinGen allele CA1641553.